The following is an entry in ClinVar:

ClinVar aggregate classification (germline): Uncertain significance. Review status: criteria provided, multiple submitters, no conflicts (2 of 4 stars). 2 submissions from 2 submitters: Uncertain significance (2). Last evaluated 2024-12-16.

Conditions:
Mitochondrial hypertrophic cardiomyopathy with lactic acidosis due to MTO1 deficiency. Also called: Combined oxidative phosphorylation deficiency 10; CARDIOMYOPATHY, INFANTILE HYPERTROPHIC MITOCHONDRIAL, AND LACTIC ACIDOSIS. Identifiers: Orphanet 314637, MedGen C4749921, MONDO:0013865, OMIM 614702.

Allele frequency attached by ClinVar (database versions not stated): gnomAD exomes 0.00001; TOPMed 0.00001.

Submissions (2):

Labcorp Genetics (formerly Invitae), Labcorp
Classification: Uncertain significance for Mitochondrial hypertrophic cardiomyopathy with lactic acidosis due to MTO1 deficiency. Last evaluated: 2024-12-16. Review status: criteria provided, single submitter. Criteria: Invitae Variant Classification Sherloc (09022015). Collection method: clinical testing. Allele origin: germline.
Comment: This sequence change replaces isoleucine, which is neutral and non-polar, with threonine, which is neutral and polar, at codon 423 of the MTO1 protein (p.Ile423Thr). This variant is not present in population databases (gnomAD no frequency). This variant has not been reported in the literature in individuals affected with MTO1-related conditions. ClinVar contains an entry for this variant (Variation ID: 2047680). Invitae Evidence Modeling of protein sequence and biophysical properties (such as structural, functional, and spatial information, amino acid conservation, physicochemical variation, residue mobility, and thermodynamic stability) has been performed for this missense variant. However, the output from this modeling did not meet the statistical confidence thresholds required to predict the impact of this variant on MTO1 protein function. In summary, the available evidence is currently insufficient to determine the role of this variant in disease. Therefore, it has been classified as a Variant of Uncertain Significance.

Blueprint Genetics
Classification: Uncertain significance. Last evaluated: 2017-07-31. Review status: criteria provided, single submitter. Criteria: ACMG Guidelines, 2015. Collection method: clinical testing. Allele origin: germline.

NM_012123.4(MTO1):c.1268T>C (p.Ile423Thr)

Gene: MTO1 (mitochondrial tRNA translation optimization 1; plus strand). Cytogenetic location: 6q13.
Variant type: single nucleotide variant.
Coding change: c.1268T>C on transcript NM_012123.4 (MANE Select); coding-DNA position 1268, T replaced by C.
Protein change: p.Ile423Thr; replaces isoleucine 423 with threonine.
Molecular consequence: missense variant.
Genome position (GRCh38, 1-based): chr6:73,482,047, T>C. VCF-style: chr6-73482047-T-C. GRCh37 (hg19) VCF-style: chr6-74191770-T-C.
Other names: c.1388T>C, p.Ile463Thr (NM_001123226.2); c.1343T>C, p.Ile448Thr (NM_133645.3); short protein forms I423T, I448T, I463T.
Identifiers: ClinVar variation 2047680 (VCV002047680.3), dbSNP rs777471257, ClinGen allele CA3889600.